The following is an entry in ClinVar:

ClinVar aggregate classification (germline): Uncertain significance (1 of 4 stars; one submission).

Allele frequency attached by ClinVar (database versions not stated): 1000 Genomes Project 30x 0.00031; TOPMed below 0.00001; gnomAD 0.00002; 1000 Genomes Project 0.00040; ExAC 0.00003.
gnomAD v4.1: 7 of 1,613,414 alleles (0.00043%); highest among the groups gnomAD compares: East Asian, 0.016%; no homozygotes.

Submission:

Labcorp Genetics (formerly Invitae), Labcorp
Classification: Uncertain significance. Last evaluated: 2025-06-22. Review status: criteria provided, single submitter. Criteria: Invitae Variant Classification Sherloc (09022015). Collection method: clinical testing. Allele origin: germline.
Comment: This sequence change replaces proline, which is neutral and non-polar, with threonine, which is neutral and polar, at codon 1269 of the FOCAD protein (p.Pro1269Thr). This variant is present in population databases (rs544335294, gnomAD 0.03%). This variant has not been reported in the literature in individuals affected with FOCAD-related conditions. ClinVar contains an entry for this variant (Variation ID: 2902813). Experimental studies and prediction algorithms are not available or were not evaluated, and the functional significance of this variant is currently unknown. In summary, the available evidence is currently insufficient to determine the role of this variant in disease. Therefore, it has been classified as a Variant of Uncertain Significance.

NM_001375567.1(FOCAD):c.3805C>A (p.Pro1269Thr)

Gene: FOCAD (focadhesin; plus strand). Cytogenetic location: 9p21.3.
Variant type: single nucleotide variant.
Coding change: c.3805C>A on transcript NM_001375567.1 (MANE Select); coding-DNA position 3805, C replaced by A.
Protein change: p.Pro1269Thr; replaces proline 1269 with threonine.
Molecular consequence: missense variant.
Genome position (GRCh38, 1-based): chr9:20,948,857, C>A. VCF-style: chr9-20948857-C-A. GRCh37 (hg19) VCF-style: chr9-20948856-C-A.
Other names: c.3700C>A, p.Pro1234Thr (NM_001375568.1, NM_001375570.1); c.3805C>A, p.Pro1269Thr (NM_017794.5); short protein forms P1234T, P1269T.
Identifiers: ClinVar variation 2902813 (VCV002902813.3), dbSNP rs544335294, ClinGen allele CA5007709.